The following is an entry in ClinVar:

NM_000548.5(TSC2):c.1947-11_1947-10insA

Gene: TSC2 (TSC complex subunit 2; plus strand). Cytogenetic location: 16p13.3.
Variant type: Insertion.
Coding change: c.1947-11_1947-10insA on transcript NM_000548.5 (MANE Select); 11 bases into the intron before coding-DNA position 1947 through 10 bases into the intron before coding-DNA position 1947, A inserted.
Molecular consequence: intron variant.
Genome position: GRCh38 VCF-style: chr16-2071773-T-TA. GRCh37 (hg19) VCF-style: chr16-2121774-T-TA.
Other names: c.603-11_603-10insA (NM_001406693.1, NM_001406689.1, NM_001406690.1 and 6 more transcripts); c.2037-11_2037-10insA (NM_001406667.1, NM_001406668.1); c.1347-11_1347-10insA (NM_001406680.1, NM_001406683.1, NM_001406687.1 and 6 more transcripts); c.345-11_345-10insA (NM_001406698.1); c.1947-11_1947-10insA (NM_001114382.3, NM_001406663.1, NM_001406664.1 and 6 more transcripts); c.1935-11_1935-10insA (NM_001406671.1, NM_001406673.1); c.1485-11_1485-10insA (NM_001406681.1); c.1836-11_1836-10insA (NM_001406670.1, NM_001318827.2, NM_001406678.1); and 3 more.
Identifiers: ClinVar variation 2859378 (VCV002859378.3), dbSNP rs2543692710, ClinGen allele CA2739269891.

ClinVar aggregate classification (germline): Uncertain significance (1 of 4 stars; one submission).

Conditions:
Tuberous sclerosis 2 (TSC2). Identifiers: Orphanet 805, MedGen C1860707, MONDO:0013199, OMIM 613254.

Submission:

Labcorp Genetics (formerly Invitae), Labcorp
Classification: Uncertain significance for Tuberous sclerosis 2. Last evaluated: 2023-04-26. Review status: criteria provided, single submitter. Criteria: Invitae Variant Classification Sherloc (09022015). Collection method: clinical testing. Allele origin: germline.
Comment: In summary, the available evidence is currently insufficient to determine the role of this variant in disease. Therefore, it has been classified as a Variant of Uncertain Significance. Algorithms developed to predict the effect of sequence changes on RNA splicing suggest that this variant may disrupt the consensus splice site. This variant has been observed in individual(s) with clinical features of tuberous sclerosis complex (Invitae). This variant is not present in population databases (gnomAD no frequency). This sequence change falls in intron 18 of the TSC2 gene. It does not directly change the encoded amino acid sequence of the TSC2 protein.